The following is an entry in ClinVar:

NC_000002.11:g.(?_73746892)_(73777574_?)del

Gene: ALMS1 (ALMS1 centrosome and basal body associated protein; plus strand). Cytogenetic location: 2p13.1.
Variant type: Deletion.
Identifiers: ClinVar variation 2426070 (VCV002426070.4).

ClinVar aggregate classification (germline): Pathogenic (1 of 4 stars; one submission).

Conditions:
Alstrom syndrome (ALMS). Identifiers: Orphanet 64, MedGen C0268425, MONDO:0008763, OMIM 203800.

Submission:

Labcorp Genetics (formerly Invitae), Labcorp
Classification: Pathogenic for Alstrom syndrome. Last evaluated: 2021-11-22. Review status: criteria provided, single submitter. Criteria: Invitae Variant Classification Sherloc (09022015). Collection method: clinical testing. Allele origin: germline.
Comment: For these reasons, this variant has been classified as Pathogenic. This variant has not been reported in the literature in individuals affected with ALMS1-related conditions. This variant is a gross deletion of the genomic region encompassing exon(s) 11-13 of the ALMS1 gene. This deletion is out-of-frame, and is expected to create a premature termination codon and result in an absent or disrupted protein product. Loss-of-function variants in ALMS1 are known to be pathogenic (PMID: 17594715).

Literature cited by the submitters: PubMed 17594715.